The following is an entry in ClinVar:

NM_007192.4(SUPT16H):c.1368G>A (p.Arg456=)

Gene: SUPT16H (SPT16 homolog, facilitates chromatin remodeling subunit; minus strand). Cytogenetic location: 14q11.2.
Variant type: single nucleotide variant.
Coding change: c.1368G>A on transcript NM_007192.4 (MANE Select); coding-DNA position 1368, G replaced by A.
Protein change: p.Arg456=; no amino-acid change (arginine 456 retained).
Molecular consequence: synonymous variant.
Genome position (GRCh38, 1-based): chr14:21,363,260, C>T on the plus strand (G>A on the coding strand, the complement: SUPT16H is on the minus strand). VCF-style: chr14-21363260-C-T. GRCh37 (hg19) VCF-style: chr14-21831419-C-T.
Identifiers: ClinVar variation 3055917 (VCV003055917.2), dbSNP rs61746713, ClinGen allele CA7090099.

ClinVar aggregate classification (germline): Benign (0 of 4 stars; one submission).

Conditions:
SUPT16H-related disorder. Also called: SUPT16H-related condition.

Allele frequency attached by ClinVar (database versions not stated): 1000 Genomes Project 30x 0.04357; 1000 Genomes Project 0.04533; TOPMed 0.06866; gnomAD 0.07632; ExAC 0.08619; ESP Exome Variant Server 0.08820; gnomAD exomes 0.11038.
gnomAD v4.1: 172,271 of 1,613,754 alleles (11%); highest among the groups gnomAD compares: Non-Finnish European, 12%; 10,444 homozygotes.

Submission:

PreventionGenetics, part of Exact Sciences
Classification: Benign for SUPT16H-related condition. Last evaluated: 2019-11-26. Review status: no assertion criteria provided. Collection method: clinical testing. Allele origin: germline.
Comment: This variant is classified as benign based on ACMG/AMP sequence variant interpretation guidelines (Richards et al. 2015 PMID: 25741868, with internal and published modifications).